The following is an entry in ClinVar:

ClinVar aggregate classification (germline): Uncertain significance (1 of 4 stars; one submission).

Allele frequency attached by ClinVar (database versions not stated): gnomAD exomes below 0.00001.
gnomAD v4.1: 1 of 1,614,180 alleles (0.000062%); highest among the groups gnomAD compares: Non-Finnish European, 0.000085%; no homozygotes.

Submission:

Ambry Genetics
Classification: Uncertain significance. Last evaluated: 2021-10-27. Review status: criteria provided, single submitter. Criteria: Ambry Variant Classification Scheme 2023. Collection method: clinical testing. Allele origin: germline.
Comment: The p.S2144N variant (also known as c.6431G>A), located in coding exon 12 of the ALPK2 gene, results from a G to A substitution at nucleotide position 6431. The serine at codon 2144 is replaced by asparagine, an amino acid with highly similar properties. This amino acid position is conserved. In addition, this alteration is predicted to be tolerated by in silico analysis. Since supporting evidence is limited at this time, the clinical significance of this alteration remains unclear.

NM_052947.4(ALPK2):c.6431G>A (p.Ser2144Asn)

Gene: ALPK2 (alpha kinase 2; minus strand). Cytogenetic location: 18q21.31.
Variant type: single nucleotide variant.
Coding change: c.6431G>A on transcript NM_052947.4 (MANE Select); coding-DNA position 6431, G replaced by A.
Protein change: p.Ser2144Asn; replaces serine 2144 with asparagine.
Molecular consequence: missense variant.
Genome position (GRCh38, 1-based): chr18:58,481,905, C>T on the plus strand (G>A on the coding strand, the complement: ALPK2 is on the minus strand). VCF-style: chr18-58481905-C-T. GRCh37 (hg19) VCF-style: chr18-56149137-C-T.
Other names: short protein forms S2144N.
Identifiers: ClinVar variation 1753499 (VCV001753499.2), dbSNP rs2518842625, ClinGen allele CA402538468.